The following is an entry in ClinVar:

NM_002691.4(POLD1):c.270G>C (p.Gln90His)

Gene: POLD1 (DNA polymerase delta 1, catalytic subunit; plus strand). Cytogenetic location: 19q13.33.
Variant type: single nucleotide variant.
Coding change: c.270G>C on transcript NM_002691.4 (MANE Select); coding-DNA position 270, G replaced by C.
Protein change: p.Gln90His; replaces glutamine 90 with histidine.
Molecular consequence: missense variant. On other transcripts: non-coding transcript variant (1).
Genome position (GRCh38, 1-based): chr19:50,399,438, G>C. VCF-style: chr19-50399438-G-C. GRCh37 (hg19) VCF-style: chr19-50902695-G-C.
Other names: c.270G>C, p.Gln90His (NM_001256849.1, NM_001308632.1); short protein forms Q90H.
Identifiers: ClinVar variation 3651627 (VCV003651627.2).

ClinVar aggregate classification (germline): Uncertain significance (1 of 4 stars; one submission).

Conditions:
POLD1-related polyposis and colorectal cancer syndrome (CRCS10). Also called: Colorectal cancer 10; COLORECTAL CANCER, SUSCEPTIBILITY TO, ON CHROMOSOME 19q; Colorectal cancer, susceptibility to, 10. Identifiers: Orphanet 220460, MedGen C2675481, MONDO:0012953, OMIM 612591.

gnomAD v4.1: 1 of 1,614,142 alleles (0.000062%); highest among the groups gnomAD compares: Non-Finnish European, 0.000085%; no homozygotes.

Submission:

Labcorp Genetics (formerly Invitae), Labcorp
Classification: Uncertain significance for POLD1-related polyposis and colorectal cancer syndrome. Last evaluated: 2024-04-30. Review status: criteria provided, single submitter. Criteria: Invitae Variant Classification Sherloc (09022015). Collection method: clinical testing. Allele origin: germline.
Comment: This sequence change replaces glutamine, which is neutral and polar, with histidine, which is basic and polar, at codon 90 of the POLD1 protein (p.Gln90His). This variant is not present in population databases (gnomAD no frequency). This variant has not been reported in the literature in individuals affected with POLD1-related conditions. Advanced modeling of protein sequence and biophysical properties (such as structural, functional, and spatial information, amino acid conservation, physicochemical variation, residue mobility, and thermodynamic stability) performed at Invitae indicates that this missense variant is not expected to disrupt POLD1 protein function with a negative predictive value of 80%. In summary, the available evidence is currently insufficient to determine the role of this variant in disease. Therefore, it has been classified as a Variant of Uncertain Significance.